The following is an entry in ClinVar:

ClinVar aggregate classification (germline): Conflicting classifications of pathogenicity. Review status: criteria provided, conflicting classifications (1 of 4 stars). 3 submissions from 3 submitters: Uncertain significance (1); Likely benign (2). Last evaluated 2026-01-11.

Conditions:
Gorlin syndrome. Also called: Basal cell nevus syndrome; Nevoid Basal Cell Carcinoma Syndrome. Identifiers: Orphanet 377, MedGen C0004779, MONDO:0007187.
Medulloblastoma (MDB). Also called: Medulloblastoma, somatic; MEDULLOBLASTOMA PREDISPOSITION SYNDROME. Identifiers: Orphanet 616, MedGen C0025149, MeSH D008527, MONDO:0007959, OMIM 155255, HP:0002885.
Hereditary cancer-predisposing syndrome. Also called: Neoplastic Syndromes, Hereditary; Hereditary neoplastic syndrome; Hereditary Cancer Syndrome; Tumor predisposition. Identifiers: Orphanet 140162, MedGen C0027672, MeSH D009386, MONDO:0015356.

Allele frequency attached by ClinVar (database versions not stated): gnomAD exomes 0.00001; ExAC 0.00007.
gnomAD v4.1: 6 of 1,578,808 alleles (0.00038%); highest among the groups gnomAD compares: Admixed American, 0.0018%; no homozygotes.

Submissions (3):

Labcorp Genetics (formerly Invitae), Labcorp
Classification: Likely benign for Gorlin syndrome; Medulloblastoma. Last evaluated: 2026-01-11. Review status: criteria provided, single submitter. Criteria: Invitae Variant Classification Sherloc (09022015). Collection method: clinical testing. Allele origin: germline.

GeneDx
Classification: Uncertain significance. Last evaluated: 2023-12-13. Review status: criteria provided, single submitter. Criteria: GeneDx Variant Classification Process June 2021. Collection method: clinical testing. Allele origin: germline. Affected: yes.
Comment: Not observed at significant frequency in large population cohorts (gnomAD); In silico analysis supports that this variant does not alter splicing; Has not been previously published as pathogenic or benign to our knowledge

Ambry Genetics
Classification: Likely benign for Hereditary cancer-predisposing syndrome. Last evaluated: 2022-05-21. Review status: criteria provided, single submitter. Criteria: Ambry Variant Classification Scheme 2023. Collection method: clinical testing. Allele origin: germline.

NM_016169.4(SUFU):c.45C>T (p.Pro15=)

Genes: SUFU (SUFU negative regulator of hedgehog signaling; plus strand), LOC130004614 (ATAC-STARR-seq lymphoblastoid silent region 2764; plus strand). Cytogenetic location: 10q24.32.
Variant type: single nucleotide variant.
Coding change: c.45C>T on transcript NM_016169.4 (MANE Select); coding-DNA position 45, C replaced by T.
Protein change: p.Pro15=; no amino-acid change (proline 15 retained).
Molecular consequence: synonymous variant.
Genome position (GRCh38, 1-based): chr10:102,504,197, C>T. VCF-style: chr10-102504197-C-T. GRCh37 (hg19) VCF-style: chr10-104263954-C-T.
Other names: c.45C>T, p.Pro15= (NM_001178133.2).
Identifiers: ClinVar variation 1103982 (VCV001103982.12), dbSNP rs767543227, ClinGen allele CA5667583.